The following is an entry in ClinVar:

NM_000466.3(PEX1):c.1535A>T (p.Asp512Val)

Gene: PEX1 (peroxisomal biogenesis factor 1; minus strand). Cytogenetic location: 7q21.2.
Variant type: single nucleotide variant.
Coding change: c.1535A>T on transcript NM_000466.3 (MANE Select); coding-DNA position 1535, A replaced by T.
Protein change: p.Asp512Val; replaces aspartic acid 512 with valine.
Molecular consequence: missense variant.
Genome position (GRCh38, 1-based): chr7:92,510,996, T>A on the plus strand (A>T on the coding strand, the complement: PEX1 is on the minus strand). VCF-style: chr7-92510996-T-A. GRCh37 (hg19) VCF-style: chr7-92140310-T-A.
Other names: c.1535A>T, p.Asp512Val (NM_001282677.2); c.911A>T, p.Asp304Val (NM_001282678.2); short protein forms D304V, D512V.
Identifiers: ClinVar variation 3023581 (VCV003023581.1), dbSNP rs1360273158, ClinGen allele CA368190148.

ClinVar aggregate classification (germline): Uncertain significance (1 of 4 stars; one submission).

Conditions:
Zellweger spectrum disorders (ZS). Also called: Zellweger Spectrum Disorder; Zellweger Spectrum; Zellweger Spectrum Disorder (ZSD); Zellweger syndrome. Identifiers: Orphanet 912, MedGen C0043459, MONDO:0019609.

Allele frequency attached by ClinVar (database versions not stated): TOPMed below 0.00001; gnomAD 0.00002.
gnomAD v4.1: 4 of 1,586,276 alleles (0.00025%); highest among the groups gnomAD compares: African/African-American, 0.004%; no homozygotes.

Submission:

Labcorp Genetics (formerly Invitae), Labcorp
Classification: Uncertain significance for Zellweger spectrum disorders. Last evaluated: 2023-12-21. Review status: criteria provided, single submitter. Criteria: Invitae Variant Classification Sherloc (09022015). Collection method: clinical testing. Allele origin: germline.
Comment: This sequence change replaces aspartic acid, which is acidic and polar, with valine, which is neutral and non-polar, at codon 512 of the PEX1 protein (p.Asp512Val). This variant is present in population databases (no rsID available, gnomAD 0.01%). This variant has not been reported in the literature in individuals affected with PEX1-related conditions. Advanced modeling of protein sequence and biophysical properties (such as structural, functional, and spatial information, amino acid conservation, physicochemical variation, residue mobility, and thermodynamic stability) performed at Invitae indicates that this missense variant is not expected to disrupt PEX1 protein function with a negative predictive value of 80%. In summary, the available evidence is currently insufficient to determine the role of this variant in disease. Therefore, it has been classified as a Variant of Uncertain Significance.